The following is an entry in ClinVar:

ClinVar aggregate classification (germline): Likely pathogenic (1 of 4 stars; one submission).

Conditions:
Glycogen storage disease due to muscle and heart glycogen synthase deficiency. Also called: GSD 0b; MUSCLE GLYCOGEN SYNTHASE DEFICIENCY. Identifiers: Orphanet 137625, MedGen C1969054, MONDO:0012693, OMIM 611556.

Submission:

Labcorp Genetics (formerly Invitae), Labcorp
Classification: Likely pathogenic for Glycogen storage disease due to muscle and heart glycogen synthase deficiency. Last evaluated: 2021-02-21. Review status: criteria provided, single submitter. Criteria: Invitae Variant Classification Sherloc (09022015). Collection method: clinical testing. Allele origin: germline.
Comment: This variant has not been reported in the literature in individuals with GYS1-related conditions. In summary, the currently available evidence indicates that the variant is pathogenic, but additional data are needed to prove that conclusively. Therefore, this variant has been classified as Likely Pathogenic. Algorithms developed to predict the effect of sequence changes on RNA splicing suggest that this variant may disrupt the consensus splice site, but this prediction has not been confirmed by published transcriptional studies. This variant is not present in population databases (ExAC no frequency). This sequence change affects an acceptor splice site in intron 2 of the GYS1 gene. It is expected to disrupt RNA splicing. Variants that disrupt the donor or acceptor splice site typically lead to a loss of protein function (PMID: 16199547), and loss-of-function variants in GYS1 are known to be pathogenic (PMID: 17928598, 19699667).

Literature cited by the submitters: PubMed 16199547; PubMed 17928598; PubMed 19699667.

NM_002103.5(GYS1):c.301-2A>C

Gene: GYS1 (glycogen synthase 1; minus strand). Cytogenetic location: 19q13.33.
Variant type: single nucleotide variant.
Coding change: c.301-2A>C on transcript NM_002103.5 (MANE Select); the canonical splice acceptor site of the intron before coding-DNA position 301, A replaced by C.
Molecular consequence: splice acceptor variant. On other transcripts: intron variant (1).
Genome position (GRCh38, 1-based): chr19:48,987,387, T>G on the plus strand (A>C on the coding strand, the complement: GYS1 is on the minus strand). VCF-style: chr19-48987387-T-G. GRCh37 (hg19) VCF-style: chr19-49490644-T-G.
Other names: c.301-1352A>C (NM_001161587.2).
Identifiers: ClinVar variation 1513157 (VCV001513157.8), dbSNP rs2122525708, ClinGen allele CA406766193.
Genomic context (GRCh38, chr19:48,987,387, plus strand): 5'-CCCACGTCCAGGAGCACCACCAGAGGGCCTCCCTCGATCAGCCAGCGCCCGAAATACACC[T>G]GGGATGGGGTTGGGGAGGCACCATAGGGAGGCTCTGGGCTTCAGCCTCATATCTTCACTC-3'